The following is an entry in ClinVar:

NM_002439.5(MSH3):c.1286C>T (p.Pro429Leu)

Gene: MSH3 (mutS homolog 3; plus strand). Cytogenetic location: 5q14.1.
Variant type: single nucleotide variant.
Coding change: c.1286C>T on transcript NM_002439.5 (MANE Select); coding-DNA position 1286, C replaced by T.
Protein change: p.Pro429Leu; replaces proline 429 with leucine.
Molecular consequence: missense variant.
Genome position (GRCh38, 1-based): chr5:80,679,039, C>T. VCF-style: chr5-80679039-C-T. GRCh37 (hg19) VCF-style: chr5-79974858-C-T.
Other names: short protein forms P429L.
Identifiers: ClinVar variation 1768974 (VCV001768974.5), dbSNP rs768726273, ClinGen allele CA3327848.

ClinVar aggregate classification (germline): Uncertain significance. Review status: criteria provided, multiple submitters, no conflicts (2 of 4 stars). 2 submissions from 2 submitters: Uncertain significance (2). Last evaluated 2023-09-19.

Conditions:
Hereditary cancer-predisposing syndrome. Also called: Hereditary Cancer Syndrome; Hereditary neoplastic syndrome; Neoplastic Syndromes, Hereditary; Tumor predisposition. Identifiers: Orphanet 140162, MedGen C0027672, MeSH D009386, MONDO:0015356.

Allele frequency attached by ClinVar (database versions not stated): ExAC 0.00001; gnomAD 0.00001; TOPMed 0.00001.
gnomAD v4.1: 3 of 1,614,038 alleles (0.00019%); highest among the groups gnomAD compares: African/African-American, 0.0027%; no homozygotes.

Submissions (2):

Labcorp Genetics (formerly Invitae), Labcorp
Classification: Uncertain significance. Last evaluated: 2023-09-19. Review status: criteria provided, single submitter. Criteria: Invitae Variant Classification Sherloc (09022015). Collection method: clinical testing. Allele origin: germline.
Comment: This sequence change replaces proline, which is neutral and non-polar, with leucine, which is neutral and non-polar, at codon 429 of the MSH3 protein (p.Pro429Leu). This variant is present in population databases (rs768726273, gnomAD 0.007%). This variant has not been reported in the literature in individuals affected with MSH3-related conditions. ClinVar contains an entry for this variant (Variation ID: 1768974). An algorithm developed to predict the effect of missense changes on protein structure and function (PolyPhen-2) suggests that this variant is likely to be disruptive. In summary, the available evidence is currently insufficient to determine the role of this variant in disease. Therefore, it has been classified as a Variant of Uncertain Significance.

Ambry Genetics
Classification: Uncertain significance for Hereditary cancer-predisposing syndrome. Last evaluated: 2022-05-05. Review status: criteria provided, single submitter. Criteria: Ambry Variant Classification Scheme 2023. Collection method: clinical testing. Allele origin: germline.
Comment: The p.P429L variant (also known as c.1286C>T), located in coding exon 8 of the MSH3 gene, results from a C to T substitution at nucleotide position 1286. The proline at codon 429 is replaced by leucine, an amino acid with similar properties. This amino acid position is conserved. In addition, this alteration is predicted to be deleterious by in silico analysis. Since supporting evidence is limited at this time, the clinical significance of this alteration remains unclear.